The following is an entry in ClinVar:

ClinVar aggregate classification (germline): Pathogenic/Likely pathogenic. Review status: criteria provided, multiple submitters, no conflicts (2 of 4 stars). 4 submissions from 4 submitters: Pathogenic (1); Likely pathogenic (2). 1 of the submissions does not count toward it. Last evaluated 2025-08-20.

Conditions:
Fanconi anemia (FA). Also called: Fanconi's anemia. Identifiers: Orphanet 84, MedGen C0015625, MeSH D005199, MONDO:0019391.
Fanconi anemia complementation group A (FANCA). Also called: Fanconi anemia, group A; FANCA-Related Fanconi Anemia. Identifiers: Orphanet 84, MedGen C3469521, MONDO:0009215, OMIM 227650.

Allele frequency attached by ClinVar (database versions not stated): gnomAD exomes below 0.00001; TOPMed below 0.00001; ExAC 0.00001; gnomAD 0.00001.

Submissions (4):

Labcorp Genetics (formerly Invitae), Labcorp
Classification: Pathogenic for Fanconi anemia. Last evaluated: 2025-08-20. Review status: criteria provided, single submitter. Criteria: Invitae Variant Classification Sherloc (09022015). Collection method: clinical testing. Allele origin: germline.
Comment: This sequence change creates a premature translational stop signal (p.Val697Glnfs*4) in the FANCA gene. It is expected to result in an absent or disrupted protein product. Loss-of-function variants in FANCA are known to be pathogenic (PMID: 19367192). This variant is present in population databases (rs754104046, gnomAD 0.007%). This variant has not been reported in the literature in individuals affected with FANCA-related conditions. ClinVar contains an entry for this variant (Variation ID: 556254). For these reasons, this variant has been classified as Pathogenic.

Fulgent Genetics
Classification: Likely pathogenic for Fanconi anemia complementation group A. Last evaluated: 2024-06-20. Review status: criteria provided, single submitter. Criteria: ACMG Guidelines, 2015. Collection method: clinical testing. Allele origin: germline.

Baylor Genetics
Classification: Likely pathogenic for Fanconi anemia complementation group A. Last evaluated: 2022-05-16. Review status: criteria provided, single submitter. Criteria: ACMG Guidelines, 2015. Collection method: clinical testing. Allele origin: unknown.

Counsyl
Classification: Likely pathogenic for Fanconi anemia complementation group A. Last evaluated: 2018-01-23. Review status: no assertion criteria provided. Collection method: clinical testing. Allele origin: unknown. Not counted in ClinVar's aggregate classification.

Literature cited by the submitters: PubMed 19367192 (cited by Labcorp Genetics (formerly Invitae), Labcorp).

NM_000135.4(FANCA):c.2082_2088dup (p.Val697fs)

Gene: FANCA (FA complementation group A; minus strand). Cytogenetic location: 16q24.3.
Variant type: Duplication.
Coding change: c.2082_2088dup on transcript NM_000135.4 (MANE Select); coding-DNA positions 2082 to 2088, 7 bases duplicated (CAGCAGC; older notation c.2082_2088dupCAGCAGC).
Protein change: p.Val697fs; shifts the reading frame from valine 697.
Molecular consequence: frameshift variant.
Genome position (GRCh38, 1-based): chr16:89,771,741-89,771,747, GCTGCTG duplicated on the plus strand (CAGCAGC on the coding strand, the reverse complement: FANCA is on the minus strand). VCF-style (leftmost placement, unchanged base first): chr16-89771740-C-CGCTGCTG. GRCh37 (hg19) VCF-style: chr16-89838148-C-CGCTGCTG.
Other names: c.2082_2088dup (LRG_495t1); c.2082_2088dup, p.Val697fs (NM_001286167.3); short protein forms V697fs.
Identifiers: ClinVar variation 556254 (VCV000556254.5), dbSNP rs754104046, ClinGen allele CA8251914.